The following is an entry in ClinVar:

ClinVar aggregate classification (germline): Uncertain significance (1 of 4 stars; one submission).

Conditions:
Pyogenic arthritis-pyoderma gangrenosum-acne syndrome (PAPA). Also called: FAMILIAL RECURRENT ARTHRITIS; PAPA SYNDROME. Identifiers: Orphanet 69126, MedGen C1858361, MONDO:0011462, OMIM 604416.

Submission:

Labcorp Genetics (formerly Invitae), Labcorp
Classification: Uncertain significance for Pyogenic arthritis-pyoderma gangrenosum-acne syndrome. Last evaluated: 2025-12-26. Review status: criteria provided, single submitter. Criteria: Invitae Variant Classification Sherloc (09022015). Collection method: clinical testing. Allele origin: germline.
Comment: This sequence change creates a premature translational stop signal (p.Tyr144*) in the PSTPIP1 gene. It is expected to result in an absent or disrupted protein product. However, the current clinical and genetic evidence is not sufficient to establish whether loss-of-function variants in PSTPIP1 cause disease. This variant is not present in population databases (gnomAD no frequency). This variant has not been reported in the literature in individuals affected with PSTPIP1-related conditions. ClinVar contains an entry for this variant (Variation ID: 656174). In summary, the available evidence is currently insufficient to determine the role of this variant in disease. Therefore, it has been classified as a Variant of Uncertain Significance.

NM_003978.5(PSTPIP1):c.432C>G (p.Tyr144Ter)

Gene: PSTPIP1 (proline-serine-threonine phosphatase interacting protein 1; plus strand). Cytogenetic location: 15q24.3.
Variant type: single nucleotide variant.
Coding change: c.432C>G on transcript NM_003978.5 (MANE Select); coding-DNA position 432, C replaced by G.
Protein change: p.Tyr144Ter; replaces tyrosine 144 with a stop codon.
Molecular consequence: nonsense. On other transcripts: non-coding transcript variant (1).
Genome position (GRCh38, 1-based): chr15:77,028,568, C>G. VCF-style: chr15-77028568-C-G. GRCh37 (hg19) VCF-style: chr15-77320909-C-G.
Other names: c.432C>G, p.Tyr144Ter (NM_001321135.2); c.405C>G, p.Tyr135Ter (NM_001321136.2); c.627C>G, p.Tyr209Ter (NM_001321137.1); short protein forms Y209*, Y135*, Y144*.
Identifiers: ClinVar variation 656174 (VCV000656174.6), dbSNP rs370003508, ClinGen allele CA393519769.